The following is an entry in ClinVar:

ClinVar aggregate classification (germline): Uncertain significance (0 of 4 stars; one submission).

Conditions:
SPTB-related disorder. Also called: SPTB-related condition; SPTB-Related Disorders.

gnomAD v4.1: 40 of 1,612,924 alleles (0.0025%); highest among the groups gnomAD compares: East Asian, 0.065%; no homozygotes.

Submission:

PreventionGenetics, part of Exact Sciences
Classification: Uncertain significance for SPTB-related condition. Last evaluated: 2024-05-31. Review status: no assertion criteria provided. Collection method: clinical testing. Allele origin: germline.
Comment: The SPTB c.5494G>A variant is predicted to result in the amino acid substitution p.Glu1832Lys. To our knowledge, this variant has not been reported in the literature. This variant is reported in 0.044% of alleles in individuals of East Asian descent in gnomAD. At this time, the clinical significance of this variant is uncertain due to the absence of conclusive functional and genetic evidence.

NM_001355436.2(SPTB):c.5494G>A (p.Glu1832Lys)

Gene: SPTB (spectrin beta, erythrocytic; minus strand). Cytogenetic location: 14q23.3.
Variant type: single nucleotide variant.
Coding change: c.5494G>A on transcript NM_001355436.2 (MANE Select); coding-DNA position 5494, G replaced by A.
Protein change: p.Glu1832Lys; replaces glutamic acid 1832 with lysine.
Molecular consequence: missense variant.
Genome position (GRCh38, 1-based): chr14:64,772,639, C>T on the plus strand (G>A on the coding strand, the complement: SPTB is on the minus strand). VCF-style: chr14-64772639-C-T. GRCh37 (hg19) VCF-style: chr14-65239357-C-T.
Other names: c.5494G>A, p.Glu1832Lys (NM_001024858.4, NM_001355437.2); short protein forms E1832K.
Identifiers: ClinVar variation 3357931 (VCV003357931.1).